The following is an entry in ClinVar:

NM_001378452.1(ITPR1):c.5063T>C (p.Leu1688Pro)

Genes: BRRIAR (BHLHE40 and RIG-I regulating ITPR1 antisense RNA; minus strand), ITPR1 (inositol 1,4,5-trisphosphate receptor type 1; plus strand). Cytogenetic location: 3p26.1.
Variant type: single nucleotide variant.
Coding change: c.5063T>C on transcript NM_001378452.1 (MANE Select); coding-DNA position 5063, T replaced by C.
Protein change: p.Leu1688Pro; replaces leucine 1688 with proline.
Molecular consequence: missense variant.
Genome position (GRCh38, 1-based): chr3:4,711,828, T>C. VCF-style: chr3-4711828-T-C. GRCh37 (hg19) VCF-style: chr3-4753512-T-C.
Other names: c.5036T>C, p.Leu1679Pro (NM_001099952.4); c.5018T>C, p.Leu1673Pro (NM_001168272.2); c.4991T>C, p.Leu1664Pro (NM_002222.7); short protein forms L1664P, L1673P, L1679P, L1688P.
Identifiers: ClinVar variation 1204039 (VCV001204039.3), dbSNP rs2125283083, ClinGen allele CA351636703.
Genomic context (GRCh38, chr3:4,711,828, plus strand): 5'-ATACAAAACAGCTGCTAGAAGAAAATGAAGAGAAGCTCTGCATTAAGGTCCTACAGACCC[T>C]GAGGGAAATGATGACCAAAGATAGAGGCTATGGAGAAAAGGTACTGCATTTTATTTTCAT-3'
Protein context (NP_001365381.1, residues 1678-1698): EKLCIKVLQT[Leu1688Pro]REMMTKDRGY

ClinVar aggregate classification (germline): Pathogenic (1 of 4 stars; one submission).

Submission:

GeneDx
Classification: Pathogenic. Last evaluated: 2020-09-08. Review status: criteria provided, single submitter. Criteria: GeneDx Variant Classification Process June 2021. Collection method: clinical testing. Allele origin: germline. Affected: yes.
Comment: Not observed in large population cohorts (Lek et al., 2016); In silico analysis, which includes protein predictors and evolutionary conservation, supports a deleterious effect; Has not been previously published as pathogenic or benign to our knowledge